The following is an entry in ClinVar:

ClinVar aggregate classification (germline): Likely benign (0 of 4 stars; one submission).

Conditions:
TP53BP1-related disorder. Also called: TP53BP1-related condition.

Allele frequency attached by ClinVar (database versions not stated): TOPMed 0.00065; ESP Exome Variant Server 0.00069; gnomAD exomes 0.00098; ExAC 0.00110; gnomAD 0.00118.
gnomAD v4.1: 1,595 of 1,614,130 alleles (0.099%); highest among the groups gnomAD compares: Non-Finnish European, 0.12%; 5 homozygotes.

Submission:

PreventionGenetics, part of Exact Sciences
Classification: Likely benign for TP53BP1-related condition. Last evaluated: 2023-01-12. Review status: no assertion criteria provided. Collection method: clinical testing. Allele origin: germline.
Comment: This variant is classified as likely benign based on ACMG/AMP sequence variant interpretation guidelines (Richards et al. 2015 PMID: 25741868, with internal and published modifications).

NM_001141980.3(TP53BP1):c.5257C>T (p.Arg1753Cys)

Gene: TP53BP1 (tumor protein p53 binding protein 1; minus strand). Cytogenetic location: 15q15.3.
Variant type: single nucleotide variant.
Coding change: c.5257C>T on transcript NM_001141980.3 (MANE Select); coding-DNA position 5257, C replaced by T.
Protein change: p.Arg1753Cys; replaces arginine 1753 with cysteine.
Molecular consequence: missense variant.
Genome position (GRCh38, 1-based): chr15:43,413,167, G>A on the plus strand (C>T on the coding strand, the complement: TP53BP1 is on the minus strand). VCF-style: chr15-43413167-G-A. GRCh37 (hg19) VCF-style: chr15-43705365-G-A.
Other names: c.5251C>T, p.Arg1751Cys (NM_001141979.3); c.2377C>T, p.Arg793Cys (NM_001355001.2); c.5107C>T, p.Arg1703Cys (NM_001411050.1); c.5242C>T, p.Arg1748Cys (NM_005657.4); short protein forms R1703C, R1748C, R1751C, R1753C, R793C.
Identifiers: ClinVar variation 3040718 (VCV003040718.2), dbSNP rs140689367, ClinGen allele CA7524483.